The following is an entry in ClinVar:

ClinVar aggregate classification (germline): Uncertain significance. Review status: criteria provided, multiple submitters, no conflicts (2 of 4 stars). 3 submissions from 3 submitters: Uncertain significance (3). Last evaluated 2025-04-18.

Conditions:
Renal cell carcinoma. Identifiers: Orphanet 217071, MedGen C0007134, MeSH D002292, MONDO:0005086, HP:0005584.
Hereditary cancer-predisposing syndrome. Also called: Tumor predisposition; Neoplastic Syndromes, Hereditary; Hereditary Cancer Syndrome; Hereditary neoplastic syndrome. Identifiers: Orphanet 140162, MedGen C0027672, MeSH D009386, MONDO:0015356.

gnomAD v4.1: 1 of 1,613,940 alleles (0.000062%); highest among the groups gnomAD compares: South Asian, 0.0011%; no homozygotes.

Submissions (3):

Ambry Genetics
Classification: Uncertain significance for Hereditary cancer-predisposing syndrome. Last evaluated: 2025-04-18. Review status: criteria provided, single submitter. Criteria: Ambry Variant Classification Scheme 2023. Collection method: clinical testing. Allele origin: germline.
Comment: The p.R461G variant (also known as c.1381C>G), located in coding exon 2 of the MET gene, results from a C to G substitution at nucleotide position 1381. The arginine at codon 461 is replaced by glycine, an amino acid with dissimilar properties. This amino acid position is highly conserved in available vertebrate species. In addition, the in silico prediction for this alteration is inconclusive. Based on the available evidence, the clinical significance of this variant remains unclear.

Labcorp Genetics (formerly Invitae), Labcorp
Classification: Uncertain significance for Renal cell carcinoma. Last evaluated: 2022-03-29. Review status: criteria provided, single submitter. Criteria: Invitae Variant Classification Sherloc (09022015). Collection method: clinical testing. Allele origin: germline.
Comment: This variant has not been reported in the literature in individuals affected with MET-related conditions. This variant is not present in population databases (gnomAD no frequency). This sequence change replaces arginine, which is basic and polar, with glycine, which is neutral and non-polar, at codon 461 of the MET protein (p.Arg461Gly). Algorithms developed to predict the effect of missense changes on protein structure and function are either unavailable or do not agree on the potential impact of this missense change (SIFT: "Deleterious"; PolyPhen-2: "Probably Damaging"; Align-GVGD: "Class C0"). In summary, the available evidence is currently insufficient to determine the role of this variant in disease. Therefore, it has been classified as a Variant of Uncertain Significance.

GeneDx
Classification: Uncertain significance. Last evaluated: 2022-03-04. Review status: criteria provided, single submitter. Criteria: GeneDx Variant Classification Process June 2021. Collection method: clinical testing. Allele origin: germline. Affected: yes.
Comment: Not observed at significant frequency in large population cohorts (gnomAD); In silico analysis supports that this missense variant has a deleterious effect on protein structure/function; Has not been previously published as pathogenic or benign to our knowledge

NM_000245.4(MET):c.1381C>G (p.Arg461Gly)

Gene: MET (MET proto-oncogene, receptor tyrosine kinase; plus strand). Cytogenetic location: 7q31.2.
Variant type: single nucleotide variant.
Coding change: c.1381C>G on transcript NM_000245.4 (MANE Select); coding-DNA position 1381, C replaced by G.
Protein change: p.Arg461Gly; replaces arginine 461 with glycine.
Molecular consequence: missense variant.
Genome position (GRCh38, 1-based): chr7:116,731,848, C>G. VCF-style: chr7-116731848-C-G. GRCh37 (hg19) VCF-style: chr7-116371902-C-G.
Other names: c.1381C>G, p.Arg461Gly (NM_001127500.3, NM_001324401.3); c.91C>G, p.Arg31Gly (NM_001324402.2); short protein forms R31G, R461G.
Identifiers: ClinVar variation 1704057 (VCV001704057.8), dbSNP rs1584914359, ClinGen allele CA368973124.